The following is an entry in ClinVar:

NM_001999.4(FBN2):c.6948C>A (p.Ile2316=)

Gene: FBN2 (fibrillin 2; minus strand). Cytogenetic location: 5q23.3.
Variant type: single nucleotide variant.
Coding change: c.6948C>A on transcript NM_001999.4 (MANE Select); coding-DNA position 6948, C replaced by A.
Protein change: p.Ile2316=; no amino-acid change (isoleucine 2316 retained).
Molecular consequence: synonymous variant.
Genome position (GRCh38, 1-based): chr5:128,286,782, G>T on the plus strand (C>A on the coding strand, the complement: FBN2 is on the minus strand). VCF-style: chr5-128286782-G-T. GRCh37 (hg19) VCF-style: chr5-127622474-G-T.
Other names: p.I2316I:ATC>ATA; p.Ile2316=.
Identifiers: ClinVar variation 129047 (VCV000129047.46), dbSNP rs17608368, ClinGen allele CA288832.

ClinVar aggregate classification (germline): Benign. Review status: criteria provided, multiple submitters, no conflicts (2 of 4 stars). 16 submissions from 15 submitters: Benign (13). 3 of the submissions do not count toward it. Last evaluated 2026-02-04.

Conditions:
Ehlers-Danlos syndrome (EDS). Identifiers: Orphanet 98249, MedGen C0013720, MONDO:0020066.
Familial thoracic aortic aneurysm and aortic dissection (TAAD). Also called: Thoracic aortic aneurysms and dissections. Identifiers: Orphanet 91387, MedGen C4707243, MONDO:0019625.
Congenital contractural arachnodactyly (CCA). Also called: Arthrogryposis, distal, type 9; Beals-Hecht syndrome; BEALS SYNDROME. Identifiers: Orphanet 115, MedGen C0220668, MONDO:0007363, OMIM 121050.
Connective tissue disorder. Also called: Connective tissue disease. Identifiers: MedGen C0009782, MONDO:0003900.

Allele frequency attached by ClinVar (database versions not stated): 1000 Genomes Project 30x 0.00906; 1000 Genomes Project 0.01018; TOPMed 0.01334; ESP Exome Variant Server 0.01399.
gnomAD v4.1: 29,955 of 1,613,916 alleles (1.9%); highest among the groups gnomAD compares: Middle Eastern, 3.4%; 385 homozygotes.

Submissions (16):

Labcorp Genetics (formerly Invitae), Labcorp
Classification: Benign for Congenital contractural arachnodactyly. Last evaluated: 2026-02-04. Review status: criteria provided, single submitter. Criteria: Invitae Variant Classification Sherloc (09022015). Collection method: clinical testing. Allele origin: germline.

ARUP Laboratories, Molecular Genetics and Genomics, ARUP Laboratories
Classification: Benign. Last evaluated: 2025-07-03. Review status: criteria provided, single submitter. Criteria: ARUP Molecular Germline Variant Investigation Process 2024. Collection method: clinical testing. Allele origin: germline.

Blueprint Genetics
Classification: Benign. Last evaluated: 2024-11-26. Review status: criteria provided, single submitter. Criteria: ACMG Guidelines, 2015. Collection method: clinical testing. Allele origin: germline.

Genome Diagnostics Laboratory, The Hospital for Sick Children
Classification: Benign for Ehlers-Danlos syndrome. Last evaluated: 2022-07-05. Review status: criteria provided, single submitter. Criteria: ACMG Guidelines, 2015. Collection method: clinical testing. Allele origin: germline.

Genome Diagnostics Laboratory, The Hospital for Sick Children
Classification: Benign for Connective tissue disorder. Last evaluated: 2022-01-22. Review status: criteria provided, single submitter. Criteria: ACMG Guidelines, 2015. Collection method: clinical testing. Allele origin: germline.

Illumina Laboratory Services, Illumina
Classification: Benign for Congenital contractural arachnodactyly. Last evaluated: 2018-01-13. Review status: criteria provided, single submitter. Criteria: ICSL Variant Classification Criteria 13 December 2019. Collection method: clinical testing. Allele origin: germline.
Comment: This variant was observed in the ICSL laboratory as part of a predisposition screen in an ostensibly healthy population. It had not been previously curated by ICSL or reported in the Human Gene Mutation Database (HGMD: prior to June 1st, 2018), and was therefore a candidate for classification through an automated scoring system. Utilizing variant allele frequency, disease prevalence and penetrance estimates, and inheritance mode, an automated score was calculated to assess if this variant is too frequent to cause the disease. Based on the score and internal cut-off values, a variant classified as benign is not then subjected to further curation. The score for this variant resulted in a classification of benign for this disease.

Women's Health and Genetics/Laboratory Corporation of America, LabCorp
Classification: Benign. Last evaluated: 2017-03-22. Review status: criteria provided, single submitter. Criteria: LabCorp Variant Classification Summary - May 2015. Collection method: clinical testing. Allele origin: germline.
Comment: Variant summary: The FBN2 c.6948C>A (p.Ile2316Ile) variant involves the alteration of a non-conserved nucleotide, resulting in a synonymous change. One in silico tool predicts a damaging outcome for this variant. 5/5 splice prediction tools predict no significant impact on normal splicing. ESE finder predicts that this variant may eliminate an SRp40 ESE site at the locus. However, these predictions have yet to be confirmed by functional studies. This variant was found in the large control database ExAC at a frequency of 0.0185658 (2252/121298 control chromosomes [40 homozygotes]), which is approximately 14853 times the estimated maximal expected allele frequency of a pathogenic FBN2 variant (0.0000013), suggesting this variant is likely a benign polymorphism. In addition, multiple clinical diagnostic laboratories/reputable databases classified this variant as benign. To our knowledge, the variant of interest has not been reported in affected individuals via publications, nor has it been evaluated for functional impact by in vivo/vitro studies. Taken together, this variant is classified as benign.

Mayo Clinic Laboratories, Mayo Clinic
Classification: Benign. Last evaluated: 2015-03-18. Review status: criteria provided, single submitter. Criteria: ACMG Guidelines, 2015. Collection method: clinical testing. Allele origin: germline. Observed: 45 variant alleles.

Ambry Genetics
Classification: Benign for Familial thoracic aortic aneurysm and aortic dissection. Last evaluated: 2015-01-23. Review status: criteria provided, single submitter. Criteria: Ambry Variant Classification Scheme 2023. Collection method: clinical testing. Allele origin: germline.

Genome Diagnostics Laboratory, University Medical Center Utrecht
Classification: Benign for Congenital contractural arachnodactyly. Last evaluated: 2014-10-10. Review status: criteria provided, single submitter. Criteria: ACGS Guidelines, 2013. Collection method: clinical testing. Allele origin: germline. Affected: yes. Study: VKGL Data-share Consensus.

Laboratory for Molecular Medicine, Mass General Brigham Personalized Medicine
Classification: Benign. Last evaluated: 2013-04-04. Review status: criteria provided, single submitter. Criteria: LMM Criteria. Collection method: clinical testing. Allele origin: germline. Observed: 1 variant allele.
Comment: Ile2316Ile in exon 55 of FBN2: This variant is not expected to have clinical sig nificance because it does not alter an amino acid residue and is not located wit hin the splice consensus sequence. It has been identified in 2.0% (169/8600) of European American chromosomes from a broad population by the NHLBI Exome Sequenc ing Project (dbSNP rs17608368).

GeneDx
Classification: Benign. Last evaluated: 2013-02-21. Review status: criteria provided, single submitter. Criteria: GeneDx Variant Classification (06012015). Collection method: clinical testing. Allele origin: germline. Affected: yes.
Comment: This variant is considered likely benign or benign based on one or more of the following criteria: it is a conservative change, it occurs at a poorly conserved position in the protein, it is predicted to be benign by multiple in silico algorithms, and/or has population frequency not consistent with disease.

PreventionGenetics, part of Exact Sciences
Classification: Benign. Review status: criteria provided, single submitter. Criteria: ACMG Guidelines, 2015. Collection method: clinical testing. Allele origin: germline.

Genome Diagnostics Laboratory, Amsterdam University Medical Center
Classification: Benign for Congenital contractural arachnodactyly. Last evaluated: 2014-11-19. Review status: no assertion criteria provided. Criteria: ACGS Guidelines, 2013. Collection method: clinical testing. Allele origin: germline. Affected: yes. Study: VKGL Data-share Consensus. Not counted in ClinVar's aggregate classification.

Genetic Services Laboratory, University of Chicago
Classification: Likely benign for AllHighlyPenetrant. Review status: no assertion criteria provided. Collection method: clinical testing. Allele origin: germline. Inheritance: Autosomal dominant inheritance. Not counted in ClinVar's aggregate classification.
Comment: Likely benign based on allele frequency in 1000 Genomes Project or ESP global frequency and its presence in a patient with a rare or unrelated disease phenotype. NOT Sanger confirmed.

Laboratory of Diagnostic Genome Analysis, Leiden University Medical Center (LUMC)
Classification: Likely benign. Review status: no assertion criteria provided. Collection method: clinical testing. Allele origin: germline. Affected: yes. Study: VKGL Data-share Consensus. Not counted in ClinVar's aggregate classification.